The following is an entry in ClinVar:

NM_000143.4(FH):c.421del (p.Trp141fs)

Gene: FH (fumarate hydratase; minus strand). Cytogenetic location: 1q43.
Variant type: Deletion.
Coding change: c.421del on transcript NM_000143.4 (MANE Select); coding-DNA position 421, one base deleted (T; older notation c.421delT).
Protein change: p.Trp141fs; shifts the reading frame from tryptophan 141.
Molecular consequence: frameshift variant.
Genome position (GRCh38, 1-based): chr1:241,512,101, A deleted on the plus strand (T on the coding strand, the reverse complement: FH is on the minus strand). VCF-style (leftmost placement, unchanged base first): chr1-241512100-CA-C. GRCh37 (hg19) VCF-style: chr1-241675400-CA-C.
Other names: short protein forms W141fs.
Identifiers: ClinVar variation 2095686 (VCV002095686.4), dbSNP rs2527332800, ClinGen allele CA2580063453.

ClinVar aggregate classification (germline): Pathogenic (1 of 4 stars; one submission).

Submission:

Labcorp Genetics (formerly Invitae), Labcorp
Classification: Pathogenic. Last evaluated: 2022-02-09. Review status: criteria provided, single submitter. Criteria: Invitae Variant Classification Sherloc (09022015). Collection method: clinical testing. Allele origin: germline.
Comment: For these reasons, this variant has been classified as Pathogenic. This variant is not present in population databases (gnomAD no frequency). This sequence change creates a premature translational stop signal (p.Trp141Glyfs*11) in the FH gene. It is expected to result in an absent or disrupted protein product. Loss-of-function variants in FH are known to be pathogenic (PMID: 11865300, 21398687). This variant has not been reported in the literature in individuals affected with FH-related conditions. Algorithms developed to predict the effect of sequence changes on RNA splicing suggest that this variant may create or strengthen a splice site.

Literature cited by the submitters: PubMed 11865300; PubMed 21398687.